The following is an entry in ClinVar:

ClinVar aggregate classification (germline): Uncertain significance (1 of 4 stars; one submission).

Conditions:
Generalized pustular psoriasis. Identifiers: Orphanet 247353, MedGen C0343055, MONDO:0100491.

Allele frequency attached by ClinVar (database versions not stated): gnomAD exomes below 0.00001.
gnomAD v4.1: 1 of 1,613,492 alleles (0.000062%); highest among the groups gnomAD compares: Non-Finnish European, 0.000085%; no homozygotes.

Submission:

Labcorp Genetics (formerly Invitae), Labcorp
Classification: Uncertain significance for Generalized pustular psoriasis. Last evaluated: 2023-07-14. Review status: criteria provided, single submitter. Criteria: Invitae Variant Classification Sherloc (09022015). Collection method: clinical testing. Allele origin: germline.
Comment: In summary, the available evidence is currently insufficient to determine the role of this variant in disease. Therefore, it has been classified as a Variant of Uncertain Significance. Variants that disrupt the consensus splice site are a relatively common cause of aberrant splicing (PMID: 17576681, 9536098). Algorithms developed to predict the effect of sequence changes on RNA splicing suggest that this variant may disrupt the consensus splice site. ClinVar contains an entry for this variant (Variation ID: 1024914). This variant has not been reported in the literature in individuals affected with IL36RN-related conditions. This variant is not present in population databases (gnomAD no frequency). This sequence change falls in intron 2 of the IL36RN gene. It does not directly change the encoded amino acid sequence of the IL36RN protein. It affects a nucleotide within the consensus splice site.

Literature cited by the submitters: PubMed 17576681; PubMed 9536098.

NM_012275.3(IL36RN):c.29+6T>C

Gene: IL36RN (interleukin 36 receptor antagonist; plus strand). Cytogenetic location: 2q14.1.
Variant type: single nucleotide variant.
Coding change: c.29+6T>C on transcript NM_012275.3 (MANE Select); 6 bases into the intron after coding-DNA position 29, T replaced by C.
Molecular consequence: intron variant.
Genome position (GRCh38, 1-based): chr2:113,059,473, T>C. VCF-style: chr2-113059473-T-C. GRCh37 (hg19) VCF-style: chr2-113817050-T-C.
Other names: c.29+6T>C (NM_173170.1).
Identifiers: ClinVar variation 1024914 (VCV001024914.8), dbSNP rs1685595982, ClinGen allele CA1280038882.